The following is an entry in ClinVar:

ClinVar aggregate classification (germline): Uncertain significance (1 of 4 stars; one submission).

Conditions:
Hereditary breast ovarian cancer syndrome. Also called: Hereditary breast and ovarian cancer syndrome; Hereditary breast and ovarian cancer syndrome (HBOC); Breast and ovarian cancer; Hereditary breast and/or ovarian cancer syndrome; BRCA1- and BRCA2-Associated Hereditary Breast and Ovarian Cancer; Hereditary breast and ovarian cancer. Identifiers: Orphanet 145, MedGen C0677776, MeSH D061325, MONDO:0003582. Disease mechanism: loss of function.

Submission:

Labcorp Genetics (formerly Invitae), Labcorp
Classification: Uncertain significance for Hereditary breast ovarian cancer syndrome. Last evaluated: 2022-01-08. Review status: criteria provided, single submitter. Criteria: Invitae Variant Classification Sherloc (09022015). Collection method: clinical testing. Allele origin: germline.
Comment: In summary, the available evidence is currently insufficient to determine the role of this variant in disease. Therefore, it has been classified as a Variant of Uncertain Significance. Advanced modeling of protein sequence and biophysical properties (such as structural, functional, and spatial information, amino acid conservation, physicochemical variation, residue mobility, and thermodynamic stability) performed at Invitae indicates that this missense variant is not expected to disrupt BRCA1 protein function. This variant has not been reported in the literature in individuals affected with BRCA1-related conditions. This variant is not present in population databases (gnomAD no frequency). This sequence change replaces aspartic acid, which is acidic and polar, with glutamic acid, which is acidic and polar, at codon 219 of the BRCA1 protein (p.Asp219Glu).

NM_007294.4(BRCA1):c.657T>A (p.Asp219Glu)

Gene: BRCA1 (BRCA1 DNA repair associated; minus strand). Cytogenetic location: 17q21.31.
Variant type: single nucleotide variant.
Coding change: c.657T>A on transcript NM_007294.4 (MANE Select); coding-DNA position 657, T replaced by A.
Protein change: p.Asp219Glu; replaces aspartic acid 219 with glutamic acid.
Molecular consequence: missense variant. On other transcripts: non-coding transcript variant (1).
Genome position (GRCh38, 1-based): chr17:43,095,859, A>T on the plus strand (T>A on the coding strand, the complement: BRCA1 is on the minus strand). VCF-style: chr17-43095859-A-T. GRCh37 (hg19) VCF-style: chr17-41247876-A-T.
Other names: c.444T>A, p.Asp148Glu (NM_001407571.1, NM_001407853.1, NM_001407894.1 and 12 more transcripts); c.657T>A, p.Asp219Glu (NM_001407581.1, NM_001407582.1, NM_001407583.1 and 59 more transcripts); c.654T>A, p.Asp218Glu (NM_001407587.1, NM_001407590.1, NM_001407591.1 and 41 more transcripts); c.648T>A, p.Asp216Glu (NM_001407646.1, NM_001407647.1, NM_001408408.1); c.579T>A, p.Asp193Glu (NM_001407653.1, NM_001407654.1, NM_001407655.1 and 9 more transcripts); c.576T>A, p.Asp192Glu (NM_001407659.1, NM_001407660.1, NM_001407661.1 and 3 more transcripts); c.516T>A, p.Asp172Glu (NM_001407692.1, NM_001407694.1, NM_001407695.1 and 43 more transcripts); c.513T>A, p.Asp171Glu (NM_001407740.1, NM_001407741.1, NM_001407742.1 and 26 more transcripts); and 4 more; short protein forms D192E, D193E, D148E, D172E, D216E, D92E, D171E, D218E.
Identifiers: ClinVar variation 2077787 (VCV002077787.4), dbSNP rs2154513660, ClinGen allele CA10600786.